The following is an entry in ClinVar:

NM_001368882.1(COL13A1):c.716C>T (p.Ala239Val)

Gene: COL13A1 (collagen type XIII alpha 1 chain; plus strand). Cytogenetic location: 10q22.1.
Variant type: single nucleotide variant.
Coding change: c.716C>T on transcript NM_001368882.1 (MANE Select); coding-DNA position 716, C replaced by T.
Protein change: p.Ala239Val; replaces alanine 239 with valine.
Molecular consequence: missense variant. On other transcripts: intron variant (3).
Genome position (GRCh38, 1-based): chr10:69,898,728, C>T. VCF-style: chr10-69898728-C-T. GRCh37 (hg19) VCF-style: chr10-71658484-C-T.
Other names: c.746C>T, p.Ala249Val (NM_001130103.2); c.716C>T, p.Ala239Val (NM_001320951.2, NM_001368884.1); c.680C>T, p.Ala227Val (NM_001368883.1, NM_001368885.1); c.116C>T, p.Ala39Val (NM_001368886.1); c.626C>T, p.Ala209Val (NM_001368895.1); c.575C>T, p.Ala192Val (NM_001368896.1, NM_001368898.1, NM_080798.4); c.602C>T, p.Ala201Val (NM_001368897.1); c.689C>T, p.Ala230Val (NM_080800.4); and 2 more; short protein forms A230V, A239V, A249V, A39V, A192V, A209V, A201V, A227V.
Identifiers: ClinVar variation 2119585 (VCV002119585.4), dbSNP rs2544593164, ClinGen allele CA376933359.

ClinVar aggregate classification (germline): Uncertain significance (1 of 4 stars; one submission).

Submission:

Labcorp Genetics (formerly Invitae), Labcorp
Classification: Uncertain significance. Last evaluated: 2022-03-29. Review status: criteria provided, single submitter. Criteria: Invitae Variant Classification Sherloc (09022015). Collection method: clinical testing. Allele origin: germline.
Comment: In summary, the available evidence is currently insufficient to determine the role of this variant in disease. Therefore, it has been classified as a Variant of Uncertain Significance. Algorithms developed to predict the effect of missense changes on protein structure and function are either unavailable or do not agree on the potential impact of this missense change (SIFT: "Deleterious"; PolyPhen-2: "Benign"; Align-GVGD: "Class C55"). This variant has not been reported in the literature in individuals affected with COL13A1-related conditions. This variant is not present in population databases (gnomAD no frequency). This sequence change replaces alanine, which is neutral and non-polar, with valine, which is neutral and non-polar, at codon 249 of the COL13A1 protein (p.Ala249Val).